The following is an entry in ClinVar:

NM_183050.4(BCKDHB):c.57_64dup (p.His22fs)

Gene: BCKDHB (branched chain keto acid dehydrogenase E1 subunit beta; plus strand). Cytogenetic location: 6q14.1.
Variant type: Duplication.
Coding change: c.57_64dup on transcript NM_183050.4 (MANE Select); coding-DNA positions 57 to 64, 8 bases duplicated (TGAGGGGC; older notation c.57_64dupTGAGGGGC).
Protein change: p.His22fs; shifts the reading frame from histidine 22.
Molecular consequence: frameshift variant. On other transcripts: non-coding transcript variant (1), intron variant (1).
Genome position (GRCh38, 1-based): chr6:80,106,750-80,106,757, TGAGGGGC duplicated; duplicating any 8 consecutive bases within chr6:80,106,744-80,106,757 gives the same sequence; the c. name uses the placement nearest the transcript's 3' end. VCF-style (leftmost placement, unchanged base first): chr6-80106743-C-CAGGGGCTG. GRCh37 (hg19) VCF-style: chr6-80816460-C-CAGGGGCTG.
Other names: c.57_64dup, p.His22fs (NM_000056.5); c.-15+67_-15+74dup (NM_001318975.1); c.57_64dupTGAGGGGC (NM_183050.3); c.57_64dup (NM_183050.2); short protein forms H22fs.
Identifiers: ClinVar variation 568561 (VCV000568561.14), dbSNP rs1410520713, ClinGen allele CA828530321.

ClinVar aggregate classification (germline): Pathogenic/Likely pathogenic. Review status: criteria provided, multiple submitters, no conflicts (2 of 4 stars). 2 submissions from 2 submitters: Pathogenic (1); Likely pathogenic (1). Last evaluated 2025-08-04.

Conditions:
Maple syrup urine disease (MSUD). Identifiers: Orphanet 511, MedGen C0024776, MeSH D008375, MONDO:0009563. Disease mechanism: loss of function.
Maple syrup urine disease type 1B (MSUD1B). Also called: MSUD type IB; MSUD type 3 (formerly); MSUD due to deficiency of e1-beta subunit of branched-chain alpha-keto acid dehydrogenase complex. Identifiers: MedGen C2930990, MONDO:0023692, OMIM 620698.

Submissions (2):

Natera, Inc.
Classification: Likely pathogenic for Maple syrup urine disease type 1B. Last evaluated: 2025-08-04. Review status: criteria provided, single submitter. Criteria: Natera Variant Classification Schema (03/2026). Collection method: clinical testing. Allele origin: germline.
Comment: The c.57_64dupTGAGGGGC variant in BCKDHB is a frameshift variant predicted to shift the reading frame beginning at codon 22 and leads to a stop codon 53 codons downstream. This variant is expected to result in nonsense mediated decay, truncation, or a dysfunctional protein product. This variant is rare in the general population with a frequency below the threshold expected for the associated phenotype(s). Given the available evidence, this variant is classified as Likely Pathogenic.

Labcorp Genetics (formerly Invitae), Labcorp
Classification: Pathogenic for Maple syrup urine disease. Last evaluated: 2025-04-30. Review status: criteria provided, single submitter. Criteria: Invitae Variant Classification Sherloc (09022015). Collection method: clinical testing. Allele origin: germline.
Comment: This sequence change creates a premature translational stop signal (p.His22Leufs*53) in the BCKDHB gene. It is expected to result in an absent or disrupted protein product. Loss-of-function variants in BCKDHB are known to be pathogenic (PMID: 16786533, 22593002). This variant is not present in population databases (gnomAD no frequency). This variant has not been reported in the literature in individuals affected with BCKDHB-related conditions. ClinVar contains an entry for this variant (Variation ID: 568561). For these reasons, this variant has been classified as Pathogenic.

Literature cited by the submitters: PubMed 16786533 (cited by Labcorp Genetics (formerly Invitae), Labcorp); PubMed 22593002 (cited by Labcorp Genetics (formerly Invitae), Labcorp).